The following is an entry in ClinVar:

ClinVar aggregate classification (germline): Uncertain significance (1 of 4 stars; one submission).

Submission:

Labcorp Genetics (formerly Invitae), Labcorp
Classification: Uncertain significance. Last evaluated: 2025-10-13. Review status: criteria provided, single submitter. Criteria: Invitae Variant Classification Sherloc (09022015). Collection method: clinical testing. Allele origin: germline.
Comment: This variant, c.3226_3234del, results in the deletion of 3 amino acid(s) of the AHDC1 protein (p.Ala1076_Ala1078del), but otherwise preserves the integrity of the reading frame. This variant is present in population databases (no rsID available, gnomAD 0.005%). This variant has not been reported in the literature in individuals affected with AHDC1-related conditions. Experimental studies and prediction algorithms are not available or were not evaluated, and the functional significance of this variant is currently unknown. In summary, the available evidence is currently insufficient to determine the role of this variant in disease. Therefore, it has been classified as a Variant of Uncertain Significance.

NM_001371928.1(AHDC1):c.3226_3234del (p.Ala1076_Ala1078del)

Gene: AHDC1 (AT-hook DNA binding motif containing 1; minus strand). Cytogenetic location: 1p36.11.
Variant type: Deletion.
Coding change: c.3226_3234del on transcript NM_001371928.1 (MANE Select); coding-DNA positions 3226 to 3234, 9 bases deleted (GCCTCTGCC; older notation c.3226_3234delGCCTCTGCC).
Protein change: p.Ala1076_Ala1078del.
Genome position (GRCh38, 1-based): chr1:27,548,882-27,548,890, GGCAGAGGC deleted on the plus strand (GCCTCTGCC on the coding strand, the reverse complement: AHDC1 is on the minus strand). VCF-style (leftmost placement, unchanged base first): chr1-27548881-TGGCAGAGGC-T. GRCh37 (hg19) VCF-style: chr1-27875392-TGGCAGAGGC-T.
Other names: c.3226_3234del, p.Ala1076_Ala1078del (NM_001029882.3).
Identifiers: ClinVar variation 4774251 (VCV004774251.1).
Genomic context (GRCh38, chr1:27,548,881, plus strand): 5'-AGTTCTCGGGCGAGGGCTGGAAGGAGGAGGAGGAGGAGGAGGCGGCAGAGGCTGCAGAGG[TGGCAGAGGC>T]TGTGGTGCCCTTGGGTACCATGTAGCCACCGGGCGAGACTGTGCTGGCCCGGCTGTCACA-3'